The following is an entry in ClinVar:

ClinVar aggregate classification (germline): Uncertain significance (1 of 4 stars; one submission).

Conditions:
Inborn genetic diseases. Identifiers: MedGen C0950123, MeSH D030342.

Submission:

Ambry Genetics
Classification: Uncertain significance for Inborn genetic diseases. Last evaluated: 2026-07-06. Review status: criteria provided, single submitter. Criteria: Ambry Variant Classification Scheme 2023. Collection method: clinical testing. Allele origin: germline.
Comment: The p.H460L variant (also known as c.1379A>T), located in coding exon 5 of the GATA2 gene, results from an A to T substitution at nucleotide position 1379. The histidine at codon 460 is replaced by leucine, an amino acid with similar properties. This amino acid position is conserved. In addition, this alteration is predicted to be deleterious by in silico analysis. Based on the available evidence, the clinical significance of this variant remains unclear.

NM_032638.5(GATA2):c.1379A>T (p.His460Leu)

Gene: GATA2 (GATA binding protein 2; minus strand). Cytogenetic location: 3q21.3.
Variant type: single nucleotide variant.
Coding change: c.1379A>T on transcript NM_032638.5 (MANE Select); coding-DNA position 1379, A replaced by T.
Protein change: p.His460Leu; replaces histidine 460 with leucine.
Molecular consequence: missense variant.
Genome position (GRCh38, 1-based): chr3:128,481,083, T>A on the plus strand (A>T on the coding strand, the complement: GATA2 is on the minus strand). VCF-style: chr3-128481083-T-A. GRCh37 (hg19) VCF-style: chr3-128199926-T-A.
Other names: c.1379A>T, p.His460Leu (NM_001145661.2); c.1337A>T, p.His446Leu (NM_001145662.1); short protein forms H446L, H460L.
Identifiers: ClinVar variation 5022194 (VCV005022194.1).